The following is an entry in ClinVar:

ClinVar aggregate classification (germline): Uncertain significance (1 of 4 stars; one submission).

Allele frequency attached by ClinVar (database versions not stated): gnomAD exomes below 0.00001; ExAC 0.00002; TOPMed 0.00002.
gnomAD v4.1: 7 of 1,614,088 alleles (0.00043%); highest among the groups gnomAD compares: Admixed American, 0.0083%; no homozygotes.

Submission:

Labcorp Genetics (formerly Invitae), Labcorp
Classification: Uncertain significance. Last evaluated: 2022-07-20. Review status: criteria provided, single submitter. Criteria: Invitae Variant Classification Sherloc (09022015). Collection method: clinical testing. Allele origin: germline.
Comment: This sequence change replaces alanine, which is neutral and non-polar, with glycine, which is neutral and non-polar, at codon 104 of the GALNT3 protein (p.Ala104Gly). This variant is present in population databases (rs778442174, gnomAD 0.01%). This variant has not been reported in the literature in individuals affected with GALNT3-related conditions. Algorithms developed to predict the effect of missense changes on protein structure and function (SIFT, PolyPhen-2, Align-GVGD) all suggest that this variant is likely to be tolerated. In summary, the available evidence is currently insufficient to determine the role of this variant in disease. Therefore, it has been classified as a Variant of Uncertain Significance.

NM_004482.4(GALNT3):c.311C>G (p.Ala104Gly)

Gene: GALNT3 (polypeptide N-acetylgalactosaminyltransferase 3; minus strand). Cytogenetic location: 2q24.3.
Variant type: single nucleotide variant.
Coding change: c.311C>G on transcript NM_004482.4 (MANE Select); coding-DNA position 311, C replaced by G.
Protein change: p.Ala104Gly; replaces alanine 104 with glycine.
Molecular consequence: missense variant.
Genome position (GRCh38, 1-based): chr2:165,770,390, G>C on the plus strand (C>G on the coding strand, the complement: GALNT3 is on the minus strand). VCF-style: chr2-165770390-G-C. GRCh37 (hg19) VCF-style: chr2-166626900-G-C.
Other names: short protein forms A104G.
Identifiers: ClinVar variation 2139460 (VCV002139460.1), dbSNP rs778442174, ClinGen allele CA1941257.